The following is an entry in ClinVar:

ClinVar aggregate classification (germline): Uncertain significance (1 of 4 stars; one submission).

Conditions:
Cardiovascular phenotype. Identifiers: MedGen CN230736.
Hereditary cancer-predisposing syndrome. Also called: Neoplastic Syndromes, Hereditary; Tumor predisposition; Hereditary Cancer Syndrome; Hereditary neoplastic syndrome. Identifiers: Orphanet 140162, MedGen C0027672, MeSH D009386, MONDO:0015356.

Submission:

Ambry Genetics
Classification: Uncertain significance for Cardiovascular phenotype; Hereditary cancer-predisposing syndrome. Last evaluated: 2025-12-11. Review status: criteria provided, single submitter. Criteria: Ambry Variant Classification Scheme 2023. Collection method: clinical testing. Allele origin: germline.
Comment: The p.K805Q variant (also known as c.2413A>C), located in coding exon 21 of the LZTR1 gene, results from an A to C substitution at nucleotide position 2413. The lysine at codon 805 is replaced by glutamine, an amino acid with similar properties. This amino acid position is highly conserved in available vertebrate species. In addition, this alteration is predicted to be tolerated by in silico analysis. Based on the available evidence, the clinical significance of this variant remains unclear.

NM_006767.4(LZTR1):c.2413A>C (p.Lys805Gln)

Gene: LZTR1 (leucine zipper like post translational regulator 1; plus strand). Cytogenetic location: 22q11.21.
Variant type: single nucleotide variant.
Coding change: c.2413A>C on transcript NM_006767.4 (MANE Select); coding-DNA position 2413, A replaced by C.
Protein change: p.Lys805Gln; replaces lysine 805 with glutamine.
Molecular consequence: missense variant.
Genome position (GRCh38, 1-based): chr22:20,997,238, A>C. VCF-style: chr22-20997238-A-C. GRCh37 (hg19) VCF-style: chr22-21351527-A-C.
Other names: short protein forms K805Q.
Identifiers: ClinVar variation 4615574 (VCV004615574.1).